The following is an entry in ClinVar:

NM_001540.5(HSPB1):c.355_357del (p.Glu119del)

Gene: HSPB1 (heat shock protein family B (small) member 1; plus strand). Cytogenetic location: 7q11.23.
Variant type: Deletion.
Coding change: c.355_357del on transcript NM_001540.5 (MANE Select); coding-DNA positions 355 to 357, 3 bases deleted (GAG; older notation c.355_357delGAG).
Protein change: p.Glu119del; deletes glutamic acid 119.
Molecular consequence: inframe deletion.
Genome position (GRCh38, 1-based): chr7:76,303,067-76,303,069, GAG deleted; deleting any 3 consecutive bases within chr7:76,303,066-76,303,069 gives the same sequence; the c. name uses the placement nearest the transcript's 3' end. VCF-style (leftmost placement, unchanged base first): chr7-76303065-TGGA-T. GRCh37 (hg19) VCF-style: chr7-75932382-TGGA-T.
Other names: p.Glu119del; short protein forms E119del.
Identifiers: ClinVar variation 1446971 (VCV001446971.9), dbSNP rs1484884861, ClinGen allele CA842326624.

ClinVar aggregate classification (germline): Uncertain significance. Review status: criteria provided, multiple submitters, no conflicts (2 of 4 stars). 2 submissions from 2 submitters: Uncertain significance (2). Last evaluated 2025-05-18.

Conditions:
Charcot-Marie-Tooth disease axonal type 2F (CMT2F). Also called: CHARCOT-MARIE-TOOTH DISEASE, NEURONAL, TYPE 2F; Charcot-Marie-Tooth Neuropathy Type 2F. Identifiers: Orphanet 99940, MedGen C1847823, MONDO:0011687, OMIM 606595.

Submissions (2):

Labcorp Genetics (formerly Invitae), Labcorp
Classification: Uncertain significance for Charcot-Marie-Tooth disease axonal type 2F. Last evaluated: 2025-05-18. Review status: criteria provided, single submitter. Criteria: Invitae Variant Classification Sherloc (09022015). Collection method: clinical testing. Allele origin: germline.
Comment: This variant, c.355_357del, results in the deletion of 1 amino acid(s) of the HSPB1 protein (p.Glu119del), but otherwise preserves the integrity of the reading frame. This variant is not present in population databases (gnomAD no frequency). This variant has not been reported in the literature in individuals affected with HSPB1-related conditions. ClinVar contains an entry for this variant (Variation ID: 1446971). Experimental studies and prediction algorithms are not available or were not evaluated, and the functional significance of this variant is currently unknown. In summary, the available evidence is currently insufficient to determine the role of this variant in disease. Therefore, it has been classified as a Variant of Uncertain Significance.

Mayo Clinic Laboratories, Mayo Clinic
Classification: Uncertain significance. Last evaluated: 2024-03-28. Review status: criteria provided, single submitter. Criteria: ACMG Guidelines, 2015. Collection method: clinical testing. Allele origin: germline. Observed: 1 variant allele.
Comment: PM2, PM4